The following is an entry in ClinVar:

NM_004369.4(COL6A3):c.8192C>T (p.Pro2731Leu)

Gene: COL6A3 (collagen type VI alpha 3 chain; minus strand). Cytogenetic location: 2q37.3.
Variant type: single nucleotide variant.
Coding change: c.8192C>T on transcript NM_004369.4 (MANE Select); coding-DNA position 8192, C replaced by T.
Protein change: p.Pro2731Leu; replaces proline 2731 with leucine.
Molecular consequence: missense variant.
Genome position (GRCh38, 1-based): chr2:237,340,724, G>A on the plus strand (C>T on the coding strand, the complement: COL6A3 is on the minus strand). VCF-style: chr2-237340724-G-A. GRCh37 (hg19) VCF-style: chr2-238249367-G-A.
Other names: c.6371C>T, p.Pro2124Leu (NM_057166.5); c.7574C>T, p.Pro2525Leu (NM_057167.4); short protein forms P2525L, P2731L, P2124L.
Identifiers: ClinVar variation 4741420 (VCV004741420.1).

ClinVar aggregate classification (germline): Uncertain significance (1 of 4 stars; one submission).

Conditions:
Bethlem myopathy 1A. Also called: MYOPATHY, BENIGN CONGENITAL, WITH CONTRACTURES; Bethlem myopathy 1; Bethlem Muscular Dystrophy. Identifiers: Orphanet 610, MedGen CN029274, MONDO:0024530, OMIM 158810.

Submission:

Labcorp Genetics (formerly Invitae), Labcorp
Classification: Uncertain significance for Bethlem myopathy 1A. Last evaluated: 2025-09-01. Review status: criteria provided, single submitter. Criteria: Invitae Variant Classification Sherloc (09022015). Collection method: clinical testing. Allele origin: germline.
Comment: This sequence change replaces proline, which is neutral and non-polar, with leucine, which is neutral and non-polar, at codon 2731 of the COL6A3 protein (p.Pro2731Leu). This variant is not present in population databases (gnomAD no frequency). This variant has not been reported in the literature in individuals affected with COL6A3-related conditions. Invitae Evidence Modeling of protein sequence and biophysical properties (such as structural, functional, and spatial information, amino acid conservation, physicochemical variation, residue mobility, and thermodynamic stability) indicates that this missense variant is expected to disrupt COL6A3 protein function with a positive predictive value of 80%. In summary, the available evidence is currently insufficient to determine the role of this variant in disease. Therefore, it has been classified as a Variant of Uncertain Significance.